The following is an entry in ClinVar:

NM_001165963.4(SCN1A):c.4582-110C>T

Genes: SCN1A (sodium voltage-gated channel alpha subunit 1; minus strand), LOC102724058 (uncharacterized LOC102724058; plus strand). Cytogenetic location: 2q24.3.
Variant type: single nucleotide variant.
Coding change: c.4582-110C>T on transcript NM_001165963.4 (MANE Select); 110 bases into the intron before coding-DNA position 4582, C replaced by T.
Molecular consequence: intron variant.
Genome position (GRCh38, 1-based): chr2:165,994,526, G>A on the plus strand (C>T on the coding strand, the complement: SCN1A is on the minus strand). VCF-style: chr2-165994526-G-A. GRCh37 (hg19) VCF-style: chr2-166851036-G-A.
Other names: c.4549-110C>T (NM_001353949.2, NM_001353950.2, NM_001353951.2 and 2 more transcripts); c.4498-110C>T (NM_001353958.2, NM_001353957.2, NM_001165964.3); c.4582-110C>T (NM_001202435.3, NM_001353948.2); c.4546-110C>T (NM_001353955.2, NM_001353954.2); c.4495-110C>T (NM_001353960.2); c.2140-110C>T (NM_001353961.2).
Identifiers: ClinVar variation 676017 (VCV000676017.1), dbSNP rs75721122, ClinGen allele CA59800645.

ClinVar aggregate classification (germline): Benign (1 of 4 stars; one submission).

Allele frequency attached by ClinVar (database versions not stated): TOPMed 0.01746; 1000 Genomes Project 0.01957; 1000 Genomes Project 30x 0.02014.
gnomAD v4.1: 3,600 of 960,288 alleles (0.37%); highest among the groups gnomAD compares: African/African-American, 5.3%; 93 homozygotes.

Submission:

GeneDx
Classification: Benign. Last evaluated: 2018-06-14. Review status: criteria provided, single submitter. Criteria: GeneDx Variant Classification (06012015). Collection method: clinical testing. Allele origin: germline. Affected: yes.
Comment: This variant is considered likely benign or benign based on one or more of the following criteria: it is a conservative change, it occurs at a poorly conserved position in the protein, it is predicted to be benign by multiple in silico algorithms, and/or has population frequency not consistent with disease.